The following is an entry in ClinVar:

ClinVar aggregate classification (germline): Pathogenic (1 of 4 stars; one submission).

Conditions:
Inborn genetic diseases. Identifiers: MedGen C0950123, MeSH D030342.

Submission:

Ambry Genetics
Classification: Pathogenic for Inborn genetic diseases. Last evaluated: 2025-09-05. Review status: criteria provided, single submitter. Criteria: Ambry Variant Classification Scheme 2023. Collection method: clinical testing. Allele origin: germline.
Comment: The c.3759G>A (p.W1253*) alteration, located in exon 23 (coding exon 23) of the CLTC gene, consists of a G to A substitution at nucleotide position 3759. This changes the amino acid from a tryptophan (W) to a stop codon at amino acid position 1253. This alteration is expected to result in loss of function by premature protein truncation or nonsense-mediated mRNA decay. This variant was not reported in population-based cohorts in the Genome Aggregation Database (gnomAD). Based on the available evidence, this alteration is classified as pathogenic.

NM_004859.4(CLTC):c.3759G>A (p.Trp1253Ter)

Gene: CLTC (clathrin heavy chain; plus strand). Cytogenetic location: 17q23.1.
Variant type: single nucleotide variant.
Coding change: c.3759G>A on transcript NM_004859.4 (MANE Select); coding-DNA position 3759, G replaced by A.
Protein change: p.Trp1253Ter; replaces tryptophan 1253 with a stop codon.
Molecular consequence: nonsense.
Genome position (GRCh38, 1-based): chr17:59,682,787, G>A. VCF-style: chr17-59682787-G-A. GRCh37 (hg19) VCF-style: chr17-57760148-G-A.
Other names: c.3771G>A, p.Trp1257Ter (NM_001288653.2); short protein forms W1253*, W1257*.
Identifiers: ClinVar variation 4230282 (VCV004230282.1).